The following is an entry in ClinVar:

NM_017436.7(A4GALT):c.687C>A (p.Phe229Leu)

Gene: A4GALT (alpha 1,4-galactosyltransferase (P1PK blood group); minus strand). Cytogenetic location: 22q13.2.
Variant type: single nucleotide variant.
Coding change: c.687C>A on transcript NM_017436.7 (MANE Select); coding-DNA position 687, C replaced by A.
Protein change: p.Phe229Leu; replaces phenylalanine 229 with leucine.
Molecular consequence: missense variant.
Genome position (GRCh38, 1-based): chr22:42,693,265, G>T on the plus strand (C>A on the coding strand, the complement: A4GALT is on the minus strand). VCF-style: chr22-42693265-G-T. GRCh37 (hg19) VCF-style: chr22-43089271-G-T.
Other names: c.687C>A, p.Phe229Leu (NM_001318038.3); short protein forms F229L.
Identifiers: ClinVar variation 4797651 (VCV004797651.1).

ClinVar aggregate classification (germline): Uncertain significance (1 of 4 stars; one submission).

Submission:

Labcorp Genetics (formerly Invitae), Labcorp
Classification: Uncertain significance. Last evaluated: 2025-06-09. Review status: criteria provided, single submitter. Criteria: Invitae Variant Classification Sherloc (09022015). Collection method: clinical testing. Allele origin: germline.
Comment: This sequence change replaces phenylalanine, which is neutral and non-polar, with leucine, which is neutral and non-polar, at codon 229 of the A4GALT protein (p.Phe229Leu). This variant is not present in population databases (gnomAD no frequency). This variant has not been reported in the literature in individuals affected with A4GALT-related conditions. An algorithm developed to predict the effect of missense changes on protein structure and function (PolyPhen-2) suggests that this variant is likely to be disruptive. In summary, the available evidence is currently insufficient to determine the role of this variant in disease. Therefore, it has been classified as a Variant of Uncertain Significance.